The following is an entry in ClinVar:

NM_015662.3(IFT172):c.2194-3C>T

Gene: IFT172 (intraflagellar transport 172; minus strand). Cytogenetic location: 2p23.3.
Variant type: single nucleotide variant.
Coding change: c.2194-3C>T on transcript NM_015662.3 (MANE Select); 3 bases into the intron before coding-DNA position 2194, C replaced by T.
Molecular consequence: intron variant.
Genome position (GRCh38, 1-based): chr2:27,461,520, G>A on the plus strand (C>T on the coding strand, the complement: IFT172 is on the minus strand). VCF-style: chr2-27461520-G-A. GRCh37 (hg19) VCF-style: chr2-27684387-G-A.
Other names: c.2194-3C>T (NM_015662.2).
Identifiers: ClinVar variation 1022646 (VCV001022646.8), dbSNP rs906297666, ClinGen allele CA44498268.

ClinVar aggregate classification (germline): Uncertain significance. Review status: criteria provided, single submitter (1 of 4 stars). 2 submissions from 2 submitters: Uncertain significance (1). 1 of the submissions does not count toward it. Last evaluated 2022-03-10.

Conditions:
Retinitis pigmentosa 71 (RP71). Identifiers: Orphanet 791, MedGen C4225342, MONDO:0014618, OMIM 616394.
Short-rib thoracic dysplasia 10 with or without polydactyly (SRTD10). Identifiers: Orphanet 474, MedGen C3810175, MONDO:0014284, OMIM 615630.
IFT172-related disorder. Also called: IFT172-related condition; IFT172-related disorders.

Allele frequency attached by ClinVar (database versions not stated): gnomAD exomes below 0.00001; TOPMed below 0.00001; gnomAD 0.00001.
gnomAD v4.1: 3 of 1,613,426 alleles (0.00019%); highest among the groups gnomAD compares: Admixed American, 0.0033%; no homozygotes.

Submissions (2):

Labcorp Genetics (formerly Invitae), Labcorp
Classification: Uncertain significance for Retinitis pigmentosa 71; Short-rib thoracic dysplasia 10 with or without polydactyly. Last evaluated: 2022-03-10. Review status: criteria provided, single submitter. Criteria: Invitae Variant Classification Sherloc (09022015). Collection method: clinical testing. Allele origin: germline.
Comment: This variant has not been reported in the literature in individuals affected with IFT172-related conditions. This sequence change falls in intron 21 of the IFT172 gene. It does not directly change the encoded amino acid sequence of the IFT172 protein. It affects a nucleotide within the consensus splice site. This variant is present in population databases (no rsID available, gnomAD 0.1%). ClinVar contains an entry for this variant (Variation ID: 1022646). Variants that disrupt the consensus splice site are a relatively common cause of aberrant splicing (PMID: 17576681, 9536098). Algorithms developed to predict the effect of sequence changes on RNA splicing suggest that this variant is not likely to affect RNA splicing. In summary, the available evidence is currently insufficient to determine the role of this variant in disease. Therefore, it has been classified as a Variant of Uncertain Significance.

PreventionGenetics, part of Exact Sciences
Classification: Likely benign for IFT172-related condition. Last evaluated: 2021-10-11. Review status: no assertion criteria provided. Collection method: clinical testing. Allele origin: germline. Not counted in ClinVar's aggregate classification.
Comment: This variant is classified as likely benign based on ACMG/AMP sequence variant interpretation guidelines (Richards et al. 2015 PMID: 25741868, with internal and published modifications).

Literature cited by the submitters: PubMed 17576681 (cited by Labcorp Genetics (formerly Invitae), Labcorp); PubMed 9536098 (cited by Labcorp Genetics (formerly Invitae), Labcorp).